The following is an entry in ClinVar:

NM_001267550.2(TTN):c.104800C>T (p.Gln34934Ter)

Genes: TTN (titin; minus strand), TTN-AS1 (TTN antisense RNA 1; plus strand). Cytogenetic location: 2q31.2.
Variant type: single nucleotide variant.
Coding change: c.104800C>T on transcript NM_001267550.2 (MANE Select); coding-DNA position 104800, C replaced by T.
Protein change: p.Gln34934Ter; replaces glutamine 34934 with a stop codon.
Molecular consequence: nonsense.
Genome position (GRCh38, 1-based): chr2:178,531,815, G>A on the plus strand (C>T on the coding strand, the complement: TTN is on the minus strand). VCF-style: chr2-178531815-G-A. GRCh37 (hg19) VCF-style: chr2-179396542-G-A.
Other names: c.99877C>T, p.Gln33293Ter (NM_001256850.1); c.77605C>T, p.Gln25869Ter (NM_003319.4); c.97096C>T, p.Gln32366Ter (NM_133378.4); c.77980C>T, p.Gln25994Ter (NM_133432.3); c.78181C>T, p.Gln26061Ter (NM_133437.4); short protein forms Q25869*, Q25994*, Q26061*, Q32366*, Q33293*, Q34934*.
Identifiers: ClinVar variation 1344499 (VCV001344499.3), dbSNP rs1461686325, ClinGen allele CA349410895.

ClinVar aggregate classification (germline): Likely pathogenic (1 of 4 stars; one submission).

Conditions:
Tip-toe gait. Also called: Toe walking. Identifiers: MedGen C0427144, HP:0030051.

Allele frequency attached by ClinVar (database versions not stated): gnomAD exomes below 0.00001.
gnomAD v4.1: 1 of 1,614,008 alleles (0.000062%); highest among the groups gnomAD compares: South Asian, 0.0011%; no homozygotes.

Submission:

Practice for Gait Abnormalities, David Pomarino, Competency Network Toe Walking C/o Practice Pomarino
Classification: Likely pathogenic for Tip-toe gait. Last evaluated: 2022-01-11. Review status: criteria provided, single submitter. Criteria: ACMG Guidelines, 2015. Collection method: clinical testing. Allele origin: germline. Affected: yes.
Comment: Myopathy refers to diseases that affect skeletal Muscles. These diseases attack muscle fibers, making muscles weak. Inherited myopathies are often caused by inheriting an abnormal gene mutation from a parent that causes the disease. Symptoms of congenital myopathies usually start at birth or in early childhood, but may not appear until the teen years or even later in adulthood. Congenital myopathies are somewhat unique compared with other inherited myopathies, as weakness typically affects all muscles and is often not progressive. Symptoms are: Muscle weakness, most commonly of upper arms and shoulders and thighs, muscle cramps, stiffness and spasms, fatigue with exertion and lack of energy. Our patients all walk on tiptoe, so they show similar symptoms. When we genetically test them with our toe walking panel, we find that around 90 per cent of them have a genetic variant that explains their toe walking. These can be assigned, for example, to the area of myopathies (such as variants of the COL6A3 gene), the area of hereditary neuropathies (such as variants of the KMT2C gene) or the area of metabolic diseases (such as variants of the PYGM gene). In a smaller group of patients with almost identical symptoms, no abnormality is found in the genes of our panel, but spastic paraplegia can be detected. In another small group of our toe walkers, no abnormalities can be detected in the genes analysed in our toe walking panel, nor do they suffer from spastic paraplegia, as is also the case with healthy children. In contrast to these, however, they show a tiptoe gait. These patients suffer from infantile cerebral palsy, in which toe walking can also be observed.

Literature cited by the submitters: PubMed 37091313.